The following is an entry in ClinVar:

ClinVar aggregate classification (germline): Uncertain significance. Review status: criteria provided, multiple submitters, no conflicts (2 of 4 stars). 2 submissions from 2 submitters: Uncertain significance (2). Last evaluated 2025-08-01.

Conditions:
Inborn genetic diseases. Identifiers: MedGen C0950123, MeSH D030342.
Bailey-Bloch congenital myopathy (CMYO13). Also called: Native American myopathy; Congenital myopathy 13; STAC3 disorder. Identifiers: Orphanet 168572, MedGen C1850625, MONDO:0009722, OMIM 255995.

Allele frequency attached by ClinVar (database versions not stated): TOPMed below 0.00001; ExAC 0.00001; gnomAD 0.00001; gnomAD exomes 0.00001.
gnomAD v4.1: 4 of 1,614,068 alleles (0.00025%); highest among the groups gnomAD compares: African/African-American, 0.0053%; no homozygotes.

Submissions (2):

Ambry Genetics
Classification: Uncertain significance for Inborn genetic diseases. Last evaluated: 2025-08-01. Review status: criteria provided, single submitter. Criteria: Ambry Variant Classification Scheme 2023. Collection method: clinical testing. Allele origin: germline.

Labcorp Genetics (formerly Invitae), Labcorp
Classification: Uncertain significance for Bailey-Bloch congenital myopathy. Last evaluated: 2023-03-02. Review status: criteria provided, single submitter. Criteria: Invitae Variant Classification Sherloc (09022015). Collection method: clinical testing. Allele origin: germline.
Comment: This sequence change replaces proline, which is neutral and non-polar, with serine, which is neutral and polar, at codon 269 of the STAC3 protein (p.Pro269Ser). This variant is present in population databases (rs748191304, gnomAD 0.008%). This variant has not been reported in the literature in individuals affected with STAC3-related conditions. ClinVar contains an entry for this variant (Variation ID: 1940952). An algorithm developed to predict the effect of missense changes on protein structure and function (PolyPhen-2) suggests that this variant is likely to be tolerated. In summary, the available evidence is currently insufficient to determine the role of this variant in disease. Therefore, it has been classified as a Variant of Uncertain Significance.

NM_145064.3(STAC3):c.805C>T (p.Pro269Ser)

Gene: STAC3 (SH3 and cysteine rich domain 3; minus strand). Cytogenetic location: 12q13.3.
Variant type: single nucleotide variant.
Coding change: c.805C>T on transcript NM_145064.3 (MANE Select); coding-DNA position 805, C replaced by T.
Protein change: p.Pro269Ser; replaces proline 269 with serine.
Molecular consequence: missense variant. On other transcripts: non-coding transcript variant (1).
Genome position (GRCh38, 1-based): chr12:57,244,538, G>A on the plus strand (C>T on the coding strand, the complement: STAC3 is on the minus strand). VCF-style: chr12-57244538-G-A. GRCh37 (hg19) VCF-style: chr12-57638321-G-A.
Other names: c.805C>T (NM_145064.1); c.688C>T, p.Pro230Ser (NM_001286256.2); c.247C>T, p.Pro83Ser (NM_001286257.2); short protein forms P230S, P269S, P83S.
Identifiers: ClinVar variation 1940952 (VCV001940952.6), dbSNP rs748191304, ClinGen allele CA6647002.